The following is an entry in ClinVar:

ClinVar aggregate classification (germline): Uncertain significance. Review status: criteria provided, multiple submitters, no conflicts (2 of 4 stars). 2 submissions from 2 submitters: Uncertain significance (2). Last evaluated 2025-01-31.

Conditions:
DICER1-related tumor predisposition. Also called: DICER1-related pleuropulmonary blastoma cancer predisposition syndrome; DICER1 syndrome. Identifiers: Orphanet 284343, MedGen C3839822, MONDO:0100216.
Hereditary cancer-predisposing syndrome. Also called: Tumor predisposition; Neoplastic Syndromes, Hereditary; Hereditary Cancer Syndrome; Hereditary neoplastic syndrome. Identifiers: Orphanet 140162, MedGen C0027672, MeSH D009386, MONDO:0015356.

Submissions (2):

Labcorp Genetics (formerly Invitae), Labcorp
Classification: Uncertain significance for DICER1-related tumor predisposition. Last evaluated: 2025-01-31. Review status: criteria provided, single submitter. Criteria: Invitae Variant Classification Sherloc (09022015). Collection method: clinical testing. Allele origin: germline.
Comment: This sequence change falls in intron 17 of the DICER1 gene. It does not directly change the encoded amino acid sequence of the DICER1 protein. It affects a nucleotide within the consensus splice site. This variant is not present in population databases (gnomAD no frequency). This variant has not been reported in the literature in individuals affected with DICER1-related conditions. ClinVar contains an entry for this variant (Variation ID: 479645). Variants that disrupt the consensus splice site are a relatively common cause of aberrant splicing (PMID: 17576681, 9536098). Algorithms developed to predict the effect of sequence changes on RNA splicing suggest that this variant is not likely to affect RNA splicing. In summary, the available evidence is currently insufficient to determine the role of this variant in disease. Therefore, it has been classified as a Variant of Uncertain Significance.

Ambry Genetics
Classification: Uncertain significance for Hereditary cancer-predisposing syndrome. Last evaluated: 2023-03-21. Review status: criteria provided, single submitter. Criteria: Ambry Variant Classification Scheme 2023. Collection method: clinical testing. Allele origin: germline.
Comment: The c.2804+4G>A intronic variant results from a G to A substitution 4 nucleotides after coding exon 16 in the DICER1 gene. This nucleotide position is not well conserved in available vertebrate species. In silico splice site analysis predicts that this alteration will not have any significant effect on splicing, and RNA studies have demonstrated that this alteration does not result in abnormal splicing in the set of samples tested (Ambry internal data). Since supporting evidence is limited at this time, the clinical significance of this alteration remains unclear.

Literature cited by the submitters: PubMed 17576681 (cited by Labcorp Genetics (formerly Invitae), Labcorp); PubMed 9536098 (cited by Labcorp Genetics (formerly Invitae), Labcorp).

NM_177438.3(DICER1):c.2804+4G>A

Gene: DICER1 (dicer 1, ribonuclease III; minus strand). Cytogenetic location: 14q32.13.
Variant type: single nucleotide variant.
Coding change: c.2804+4G>A on transcript NM_177438.3 (MANE Select); 4 bases into the intron after coding-DNA position 2804, G replaced by A.
Molecular consequence: intron variant.
Genome position (GRCh38, 1-based): chr14:95,107,604, C>T on the plus strand (G>A on the coding strand, the complement: DICER1 is on the minus strand). VCF-style: chr14-95107604-C-T. GRCh37 (hg19) VCF-style: chr14-95573941-C-T.
Other names: c.2804+4G>A (NM_001291628.2, NM_030621.4, NM_001271282.3 and 1 more transcripts).
Identifiers: ClinVar variation 479645 (VCV000479645.12), dbSNP rs1555370605, ClinGen allele CA658656433.
Genomic context (GRCh38, chr14:95,107,604, plus strand): 5'-CCGACCTAGTGCATCTTTTAAAACAAAGTATCACCACCATTTTCCTTTCCATTTAAATAC[C>T]TACCTTGGAATGATAACGGCATCTTGGTAATCTTCTAATTTAAAAACAAAGGGTGTTTCT-3'